The following is an entry in ClinVar:

ClinVar aggregate classification (germline): Uncertain significance (1 of 4 stars; one submission).

Conditions:
DYRK1A-related intellectual disability syndrome (MRD7). Also called: DYRK1A Syndrome; Intellectual developmental disorder, autosomal dominant 7. Identifiers: Orphanet 464306, MedGen C5568143, MONDO:0013578, OMIM 614104.

Allele frequency attached by ClinVar (database versions not stated): gnomAD exomes below 0.00001; ExAC 0.00001; gnomAD 0.00002; TOPMed 0.00003.
gnomAD v4.1: 17 of 1,614,024 alleles (0.0011%); highest among the groups gnomAD compares: Non-Finnish European, 0.0014%; no homozygotes.

Submission:

Labcorp Genetics (formerly Invitae), Labcorp
Classification: Uncertain significance for DYRK1A-related intellectual disability syndrome. Last evaluated: 2023-05-27. Review status: criteria provided, single submitter. Criteria: Invitae Variant Classification Sherloc (09022015). Collection method: clinical testing. Allele origin: germline.
Comment: In summary, the available evidence is currently insufficient to determine the role of this variant in disease. Therefore, it has been classified as a Variant of Uncertain Significance. Advanced modeling of protein sequence and biophysical properties (such as structural, functional, and spatial information, amino acid conservation, physicochemical variation, residue mobility, and thermodynamic stability) performed at Invitae indicates that this missense variant is not expected to disrupt DYRK1A protein function. ClinVar contains an entry for this variant (Variation ID: 970975). This variant has not been reported in the literature in individuals affected with DYRK1A-related conditions. This variant is not present in population databases (gnomAD no frequency). This sequence change replaces serine, which is neutral and polar, with cysteine, which is neutral and slightly polar, at codon 555 of the DYRK1A protein (p.Ser555Cys).

NM_001347721.2(DYRK1A):c.1636A>T (p.Ser546Cys)

Gene: DYRK1A (dual specificity tyrosine phosphorylation regulated kinase 1A; plus strand). Cytogenetic location: 21q22.13.
Variant type: single nucleotide variant.
Coding change: c.1636A>T on transcript NM_001347721.2 (MANE Select); coding-DNA position 1636, A replaced by T.
Protein change: p.Ser546Cys; replaces serine 546 with cysteine.
Molecular consequence: missense variant. On other transcripts: intron variant (1).
Genome position (GRCh38, 1-based): chr21:37,506,215, A>T. VCF-style: chr21-37506215-A-T. GRCh37 (hg19) VCF-style: chr21-38878518-A-T.
Other names: c.1636A>T, p.Ser546Cys (NM_001347722.2, NM_130436.2); c.1549A>T, p.Ser517Cys (NM_001347723.2); c.1663A>T, p.Ser555Cys (NM_001396.5, NM_101395.2); c.1546+626A>T (NM_130438.2); short protein forms S546C, S517C, S555C.
Identifiers: ClinVar variation 970975 (VCV000970975.10), dbSNP rs199807626, ClinGen allele CA10024027.